The following is an entry in ClinVar:

NM_015978.3(TNNI3K):c.1154G>C (p.Cys385Ser)

Genes: FPGT-TNNI3K (FPGT-TNNI3K readthrough; plus strand), TNNI3K (TNNI3 interacting kinase; plus strand). Cytogenetic location: 1p31.1.
Variant type: single nucleotide variant.
Coding change: c.1154G>C on transcript NM_015978.3 (MANE Select); coding-DNA position 1154, G replaced by C.
Protein change: p.Cys385Ser; replaces cysteine 385 with serine.
Molecular consequence: missense variant.
Genome position (GRCh38, 1-based): chr1:74,354,106, G>C. VCF-style: chr1-74354106-G-C. GRCh37 (hg19) VCF-style: chr1-74819790-G-C.
Other names: c.1457G>C, p.Cys486Ser (NM_001112808.3, NM_001199327.2); short protein forms C385S, C486S.
Identifiers: ClinVar variation 3642067 (VCV003642067.2).

ClinVar aggregate classification (germline): Uncertain significance (1 of 4 stars; one submission).

Submission:

Labcorp Genetics (formerly Invitae), Labcorp
Classification: Uncertain significance. Last evaluated: 2024-02-19. Review status: criteria provided, single submitter. Criteria: Invitae Variant Classification Sherloc (09022015). Collection method: clinical testing. Allele origin: germline.
Comment: This sequence change replaces cysteine, which is neutral and slightly polar, with serine, which is neutral and polar, at codon 385 of the TNNI3K protein (p.Cys385Ser). This variant is not present in population databases (gnomAD no frequency). This variant has not been reported in the literature in individuals affected with TNNI3K-related conditions. Advanced modeling of protein sequence and biophysical properties (such as structural, functional, and spatial information, amino acid conservation, physicochemical variation, residue mobility, and thermodynamic stability) performed at Invitae indicates that this missense variant is not expected to disrupt TNNI3K protein function with a negative predictive value of 80%. In summary, the available evidence is currently insufficient to determine the role of this variant in disease. Therefore, it has been classified as a Variant of Uncertain Significance.